The following is an entry in ClinVar:

ClinVar aggregate classification (germline): Uncertain significance (1 of 4 stars; one submission).

Submission:

Ambry Genetics
Classification: Uncertain significance. Last evaluated: 2023-03-17. Review status: criteria provided, single submitter. Criteria: Ambry Variant Classification Scheme 2023. Collection method: clinical testing. Allele origin: germline.
Comment: The p.T637I variant (also known as c.1910C>T), located in coding exon 17 of the BUB1 gene, results from a C to T substitution at nucleotide position 1910. The threonine at codon 637 is replaced by isoleucine, an amino acid with similar properties. This amino acid position is conserved. In addition, this alteration is predicted to be tolerated by in silico analysis. Since supporting evidence is limited at this time, the clinical significance of this alteration remains unclear.

NM_004336.5(BUB1):c.1910C>T (p.Thr637Ile)

Gene: BUB1 (BUB1 mitotic checkpoint serine/threonine kinase; minus strand). Cytogenetic location: 2q13.
Variant type: single nucleotide variant.
Coding change: c.1910C>T on transcript NM_004336.5 (MANE Select); coding-DNA position 1910, C replaced by T.
Protein change: p.Thr637Ile; replaces threonine 637 with isoleucine.
Molecular consequence: missense variant.
Genome position (GRCh38, 1-based): chr2:110,653,490, G>A on the plus strand (C>T on the coding strand, the complement: BUB1 is on the minus strand). VCF-style: chr2-110653490-G-A. GRCh37 (hg19) VCF-style: chr2-111411067-G-A.
Other names: c.1850C>T, p.Thr617Ile (NM_001278616.2); c.1910C>T, p.Thr637Ile (NM_001278617.2); short protein forms T617I, T637I.
Identifiers: ClinVar variation 2565776 (VCV002565776.2), dbSNP rs2467996469, ClinGen allele CA348210334.